The following is an entry in ClinVar:

NM_000135.4(FANCA):c.3109C>T (p.Pro1037Ser)

Gene: FANCA (FA complementation group A; minus strand). Cytogenetic location: 16q24.3.
Variant type: single nucleotide variant.
Coding change: c.3109C>T on transcript NM_000135.4 (MANE Select); coding-DNA position 3109, C replaced by T.
Protein change: p.Pro1037Ser; replaces proline 1037 with serine.
Molecular consequence: missense variant.
Genome position (GRCh38, 1-based): chr16:89,749,860, G>A on the plus strand (C>T on the coding strand, the complement: FANCA is on the minus strand). VCF-style: chr16-89749860-G-A. GRCh37 (hg19) VCF-style: chr16-89816268-G-A.
Other names: c.3109C>T, p.Pro1037Ser (NM_001286167.3); short protein forms P1037S.
Identifiers: ClinVar variation 3581475 (VCV003581475.2).
Genomic context (GRCh38, chr16:89,749,860, plus strand): 5'-GGAGCCGTCTGCGGAAAATCTCAAAGAGGAAGTGCTCCTGGGAAGGGGTGTGGCCGAGAG[G>A]CACTATGAGGTCTTGCTGCAGCTCCAGGTCAGCTACCATCTCCTGAAAAAGAGCAGTATG-3'
Protein context (NP_000126.2, residues 1027-1047): DLELQQDLIV[Pro1037Ser]LGHTPSQEHF

ClinVar aggregate classification (germline): Uncertain significance. Review status: criteria provided, multiple submitters, no conflicts (2 of 4 stars). 2 submissions from 2 submitters: Uncertain significance (2). Last evaluated 2025-03-07.

Conditions:
Inborn genetic diseases. Identifiers: MedGen C0950123, MeSH D030342.
Fanconi anemia complementation group A (FANCA). Also called: FANCA-Related Fanconi Anemia; Fanconi anemia, group A. Identifiers: Orphanet 84, MedGen C3469521, MONDO:0009215, OMIM 227650.

gnomAD v4.1: 2 of 1,614,202 alleles (0.00012%); highest among the groups gnomAD compares: South Asian, 0.0022%; no homozygotes.

Submissions (2):

Ambry Genetics
Classification: Uncertain significance for Inborn genetic diseases. Last evaluated: 2025-03-07. Review status: criteria provided, single submitter. Criteria: Ambry Variant Classification Scheme 2023. Collection method: clinical testing. Allele origin: germline.
Comment: The p.P1037S variant (also known as c.3109C>T), located in coding exon 32 of the FANCA gene, results from a C to T substitution at nucleotide position 3109. The proline at codon 1037 is replaced by serine, an amino acid with similar properties. This amino acid position is conserved. In addition, this alteration is predicted to be tolerated by in silico analysis. Based on the available evidence, the clinical significance of this variant remains unclear.

Fulgent Genetics
Classification: Uncertain significance for Fanconi anemia complementation group A. Last evaluated: 2024-03-11. Review status: criteria provided, single submitter. Criteria: ACMG Guidelines, 2015. Collection method: clinical testing. Allele origin: germline.